The following is an entry in ClinVar:

ClinVar aggregate classification (germline): Uncertain significance (1 of 4 stars; one submission).

Submission:

GeneDx
Classification: Uncertain significance. Last evaluated: 2024-03-28. Review status: criteria provided, single submitter. Criteria: GeneDx Variant Classification Process June 2021. Collection method: clinical testing. Allele origin: germline. Affected: yes.
Comment: Not observed at significant frequency in large population cohorts (gnomAD); In silico analysis supports that this missense variant has a deleterious effect on protein structure/function; Has not been previously published as pathogenic or benign to our knowledge

NM_020937.4(FANCM):c.973G>A (p.Asp325Asn)

Gene: FANCM (FA complementation group M; plus strand). Cytogenetic location: 14q21.2.
Variant type: single nucleotide variant.
Coding change: c.973G>A on transcript NM_020937.4 (MANE Select); coding-DNA position 973, G replaced by A.
Protein change: p.Asp325Asn; replaces aspartic acid 325 with asparagine.
Molecular consequence: missense variant.
Genome position (GRCh38, 1-based): chr14:45,151,451, G>A. VCF-style: chr14-45151451-G-A. GRCh37 (hg19) VCF-style: chr14-45620654-G-A.
Other names: c.895G>A, p.Asp299Asn (NM_001308133.2); c.973G>A, p.Asp325Asn (NM_001308134.2); short protein forms D299N, D325N.
Identifiers: ClinVar variation 3371602 (VCV003371602.1).